The following is an entry in ClinVar:

NM_000340.2(SLC2A2):c.1169T>G (p.Leu390Arg)

Gene: SLC2A2 (solute carrier family 2 member 2; minus strand). Cytogenetic location: 3q26.2.
Variant type: single nucleotide variant.
Coding change: c.1169T>G on transcript NM_000340.2 (MANE Select); coding-DNA position 1169, T replaced by G.
Protein change: p.Leu390Arg; replaces leucine 390 with arginine.
Molecular consequence: missense variant.
Genome position (GRCh38, 1-based): chr3:170,999,066, A>C on the plus strand (T>G on the coding strand, the complement: SLC2A2 is on the minus strand). VCF-style: chr3-170999066-A-C. GRCh37 (hg19) VCF-style: chr3-170716855-A-C.
Other names: c.812T>G, p.Leu271Arg (NM_001278658.2); c.650T>G, p.Leu217Arg (NM_001278659.2); short protein forms L390R, L271R, L217R.
Identifiers: ClinVar variation 540253 (VCV000540253.8), dbSNP rs760200790, ClinGen allele CA2702477.
Genomic context (GRCh38, chr3:170,999,066, plus strand): 5'-AGAGGTGCCAGGTACCATCATATGTTAATGAAAAACCTCAGTGCAGGCACCAAACTTACC[A>C]GCAGCACAAGTCCCACTGACATGAAGATGGCACAAACAAACATCCCACTCATTCCAATTA-3'
Protein context (NP_000331.1, residues 380-400): AIFMSVGLVL[Leu390Arg]NKFSWMSYVS

ClinVar aggregate classification (germline): Uncertain significance. Review status: criteria provided, multiple submitters, no conflicts (2 of 4 stars). 2 submissions from 2 submitters: Uncertain significance (2). Last evaluated 2024-02-07.

Conditions:
Fanconi-Bickel syndrome (FBS). Also called: FANCONI SYNDROME WITH INTESTINAL MALABSORPTION AND GALACTOSE INTOLERANCE; HEPATIC GLYCOGENOSIS WITH AMINO ACIDURIA AND GLUCOSURIA; HEPATIC GLYCOGENOSIS WITH FANCONI NEPHROPATHY; HEPATORENAL GLYCOGENOSIS WITH RENAL FANCONI SYNDROME; Glycogen storage disease due to GLUT2 deficiency; PSEUDO-PHLORIZIN DIABETES. Identifiers: Orphanet 2088, MedGen C3495427, MONDO:0009216, OMIM 227810.
Type 2 diabetes mellitus. Also called: Type II diabetes mellitus. Identifiers: MedGen C0011860, MeSH D003924, MONDO:0005148, OMIM 125853, HP:0005978.

Allele frequency attached by ClinVar (database versions not stated): gnomAD exomes below 0.00001 and 0.00001; ExAC 0.00002; TOPMed 0.00003.

Submissions (2):

Fulgent Genetics
Classification: Uncertain significance for Type 2 diabetes mellitus; Fanconi-Bickel syndrome. Last evaluated: 2024-02-07. Review status: criteria provided, single submitter. Criteria: ACMG Guidelines, 2015. Collection method: clinical testing. Allele origin: germline.

Labcorp Genetics (formerly Invitae), Labcorp
Classification: Uncertain significance for Fanconi-Bickel syndrome. Last evaluated: 2021-08-27. Review status: criteria provided, single submitter. Criteria: Invitae Variant Classification Sherloc (09022015). Collection method: clinical testing. Allele origin: germline.
Comment: This sequence change replaces leucine with arginine at codon 390 of the SLC2A2 protein (p.Leu390Arg). The leucine residue is moderately conserved and there is a moderate physicochemical difference between leucine and arginine. This variant is present in population databases (rs760200790, ExAC 0.02%). This variant has not been reported in the literature in individuals affected with SLC2A2-related conditions. Algorithms developed to predict the effect of missense changes on protein structure and function are either unavailable or do not agree on the potential impact of this missense change (SIFT: "Tolerated"; PolyPhen-2: "Probably Damaging"; Align-GVGD: "Class C0"). In summary, the available evidence is currently insufficient to determine the role of this variant in disease. Therefore, it has been classified as a Variant of Uncertain Significance.